The following is an entry in ClinVar:

ClinVar aggregate classification (germline): Conflicting classifications of pathogenicity. Review status: criteria provided, conflicting classifications (1 of 4 stars). 7 submissions from 7 submitters: Uncertain significance (1); Benign (3); Likely benign (2). 1 of the submissions does not count toward it. Last evaluated 2025-12-03.

Conditions:
Adams-Oliver syndrome 5 (AOS5). Identifiers: Orphanet 974, MedGen C4014970, MONDO:0014459, OMIM 616028.
NOTCH1-related disorder. Also called: NOTCH1-related disorders; NOTCH1-related condition.
Familial thoracic aortic aneurysm and aortic dissection (TAAD). Also called: Thoracic aortic aneurysms and dissections. Identifiers: Orphanet 91387, MedGen C4707243, MONDO:0019625.

Allele frequency attached by ClinVar (database versions not stated): gnomAD 0.00020 and 0.00023; gnomAD exomes 0.00026; TOPMed 0.00031; ExAC 0.00039; 1000 Genomes Project 0.00060; 1000 Genomes Project 30x 0.00062.
gnomAD v4.1: 188 of 1,608,490 alleles (0.012%); highest among the groups gnomAD compares: East Asian, 0.23%; no homozygotes.

Submissions (7):

Labcorp Genetics (formerly Invitae), Labcorp
Classification: Benign for Adams-Oliver syndrome 5. Last evaluated: 2025-12-03. Review status: criteria provided, single submitter. Criteria: Invitae Variant Classification Sherloc (09022015). Collection method: clinical testing. Allele origin: germline.

ARUP Laboratories, Molecular Genetics and Genomics, ARUP Laboratories
Classification: Benign. Last evaluated: 2023-03-29. Review status: criteria provided, single submitter. Criteria: ARUP Molecular Germline Variant Investigation Process 2024. Collection method: clinical testing. Allele origin: germline.

CHEO Genetics Diagnostic Laboratory, Children's Hospital of Eastern Ontario
Classification: Benign for Familial thoracic aortic aneurysm and aortic dissection. Last evaluated: 2019-03-04. Review status: criteria provided, single submitter. Criteria: ACMG Guidelines, 2015. Collection method: clinical testing. Allele origin: germline.

Ambry Genetics
Classification: Likely benign for Familial thoracic aortic aneurysm and aortic dissection. Last evaluated: 2016-12-13. Review status: criteria provided, single submitter. Criteria: Ambry Variant Classification Scheme 2023. Collection method: clinical testing. Allele origin: germline.

GeneDx
Classification: Likely benign. Last evaluated: 2016-10-20. Review status: criteria provided, single submitter. Criteria: GeneDx Variant Classification (06012015). Collection method: clinical testing. Allele origin: germline. Affected: yes.
Comment: This variant is considered likely benign or benign based on one or more of the following criteria: it is a conservative change, it occurs at a poorly conserved position in the protein, it is predicted to be benign by multiple in silico algorithms, and/or has population frequency not consistent with disease.

Eurofins Ntd Llc (ga)
Classification: Uncertain significance. Last evaluated: 2016-08-05. Review status: criteria provided, single submitter. Criteria: EGL Classification Definitions 2015. Collection method: clinical testing. Allele origin: germline. Observed: 1 variant allele, 1 heterozygote.

PreventionGenetics, part of Exact Sciences
Classification: Likely benign for NOTCH1-related condition. Last evaluated: 2019-06-03. Review status: no assertion criteria provided. Collection method: clinical testing. Allele origin: germline. Not counted in ClinVar's aggregate classification.
Comment: This variant is classified as likely benign based on ACMG/AMP sequence variant interpretation guidelines (Richards et al. 2015 PMID: 25741868, with internal and published modifications).

NM_017617.5(NOTCH1):c.3528C>T (p.His1176=)

Gene: NOTCH1 (notch receptor 1; minus strand). Cytogenetic location: 9q34.3.
Variant type: single nucleotide variant.
Coding change: c.3528C>T on transcript NM_017617.5 (MANE Select); coding-DNA position 3528, C replaced by T.
Protein change: p.His1176=; no amino-acid change (histidine 1176 retained).
Molecular consequence: synonymous variant.
Genome position (GRCh38, 1-based): chr9:136,507,420, G>A on the plus strand (C>T on the coding strand, the complement: NOTCH1 is on the minus strand). VCF-style: chr9-136507420-G-A. GRCh37 (hg19) VCF-style: chr9-139401872-G-A.
Other names: c.3528C>T, p.His1176= (LRG_1122t1); c.3528C>T (NM_017617.4).
Identifiers: ClinVar variation 289720 (VCV000289720.23), dbSNP rs202133782, ClinGen allele CA5340885.